The following is an entry in ClinVar:

ClinVar aggregate classification (germline): Likely benign. Review status: criteria provided, single submitter (1 of 4 stars). 2 submissions from 2 submitters: Likely benign (1). 1 of the submissions does not count toward it. Last evaluated 2025-06-12.

Conditions:
ITSN2-related disorder. Also called: ITSN2-related condition.

Allele frequency attached by ClinVar (database versions not stated): gnomAD 0.00001.
gnomAD v4.1: 2 of 1,613,974 alleles (0.00012%); highest among the groups gnomAD compares: African/African-American, 0.0013%; no homozygotes.

Submissions (2):

Labcorp Genetics (formerly Invitae), Labcorp
Classification: Likely benign. Last evaluated: 2025-06-12. Review status: criteria provided, single submitter. Criteria: Invitae Variant Classification Sherloc (09022015). Collection method: clinical testing. Allele origin: germline.

PreventionGenetics, part of Exact Sciences
Classification: Likely benign for ITSN2-related condition. Last evaluated: 2020-07-13. Review status: no assertion criteria provided. Collection method: clinical testing. Allele origin: germline. Not counted in ClinVar's aggregate classification.
Comment: This variant is classified as likely benign based on ACMG/AMP sequence variant interpretation guidelines (Richards et al. 2015 PMID: 25741868, with internal and published modifications).

NM_006277.3(ITSN2):c.528G>A (p.Gln176=)

Gene: ITSN2 (intersectin 2; minus strand). Cytogenetic location: 2p23.3.
Variant type: single nucleotide variant.
Coding change: c.528G>A on transcript NM_006277.3 (MANE Select); coding-DNA position 528, G replaced by A.
Protein change: p.Gln176=; no amino-acid change (glutamine 176 retained).
Molecular consequence: synonymous variant.
Genome position (GRCh38, 1-based): chr2:24,310,517, C>T on the plus strand (G>A on the coding strand, the complement: ITSN2 is on the minus strand). VCF-style: chr2-24310517-C-T. GRCh37 (hg19) VCF-style: chr2-24533386-C-T.
Other names: c.486G>A, p.Gln162= (NM_001348181.2, NM_001348184.2); c.528G>A, p.Gln176= (NM_001348182.2, NM_001348183.2, NM_001348185.2 and 3 more transcripts).
Identifiers: ClinVar variation 3036672 (VCV003036672.3), dbSNP rs988282642, ClinGen allele CA43607931.